The following is an entry in ClinVar:

NM_006648.4(WNK2):c.1951G>T (p.Val651Leu)

Gene: WNK2 (WNK lysine deficient protein kinase 2; plus strand). Cytogenetic location: 9q22.31.
Variant type: single nucleotide variant.
Coding change: c.1951G>T on transcript NM_006648.4 (MANE Select); coding-DNA position 1951, G replaced by T.
Protein change: p.Val651Leu; replaces valine 651 with leucine.
Molecular consequence: missense variant.
Genome position (GRCh38, 1-based): chr9:93,252,999, G>T. VCF-style: chr9-93252999-G-T. GRCh37 (hg19) VCF-style: chr9-96015281-G-T.
Other names: c.1951G>T, p.Val651Leu (NM_001282394.3); short protein forms V651L.
Identifiers: ClinVar variation 3817099 (VCV003817099.1).

ClinVar aggregate classification (germline): Uncertain significance (1 of 4 stars; one submission).

gnomAD v4.1: 3 of 1,564,268 alleles (0.00019%); highest among the groups gnomAD compares: South Asian, 0.0035%; no homozygotes.

Submission:

Ambry Genetics
Classification: Uncertain significance. Last evaluated: 2025-02-16. Review status: criteria provided, single submitter. Criteria: Ambry Variant Classification Scheme 2023. Collection method: clinical testing. Allele origin: germline.
Comment: The p.V651L variant (also known as c.1951G>T), located in coding exon 8 of the WNK2 gene, results from a G to T substitution at nucleotide position 1951. The valine at codon 651 is replaced by leucine, an amino acid with highly similar properties. This amino acid position is conserved. In addition, this alteration is predicted to be tolerated by in silico analysis. Based on the available evidence, the clinical significance of this variant remains unclear.